The following is an entry in ClinVar:

ClinVar aggregate classification (germline): Uncertain significance (1 of 4 stars; one submission).

Conditions:
Nephronophthisis. Also called: Juvenile Nephronophthisis. Identifiers: Orphanet 655, MedGen C0687120, MONDO:0019005, HP:0000090.

Allele frequency attached by ClinVar (database versions not stated): TOPMed 0.00001.

Submission:

Labcorp Genetics (formerly Invitae), Labcorp
Classification: Uncertain significance for Nephronophthisis. Last evaluated: 2025-09-15. Review status: criteria provided, single submitter. Criteria: Invitae Variant Classification Sherloc (09022015). Collection method: clinical testing. Allele origin: germline.
Comment: This sequence change replaces cysteine, which is neutral and slightly polar, with tyrosine, which is neutral and polar, at codon 49 of the NPHP1 protein (p.Cys49Tyr). This variant is not present in population databases (gnomAD no frequency). This variant has not been reported in the literature in individuals affected with NPHP1-related conditions. ClinVar contains an entry for this variant (Variation ID: 2145071). An algorithm developed to predict the effect of missense changes on protein structure and function (PolyPhen-2) suggests that this variant is likely to be disruptive. In summary, the available evidence is currently insufficient to determine the role of this variant in disease. Therefore, it has been classified as a Variant of Uncertain Significance.

NM_001128178.3(NPHP1):c.146G>A (p.Cys49Tyr)

Gene: NPHP1 (nephrocystin 1; minus strand). Cytogenetic location: 2q13.
Variant type: single nucleotide variant.
Coding change: c.146G>A on transcript NM_001128178.3 (MANE Select); coding-DNA position 146, G replaced by A.
Protein change: p.Cys49Tyr; replaces cysteine 49 with tyrosine.
Molecular consequence: missense variant. On other transcripts: intron variant (1).
Genome position (GRCh38, 1-based): chr2:110,179,682, C>T on the plus strand (G>A on the coding strand, the complement: NPHP1 is on the minus strand). VCF-style: chr2-110179682-C-T. GRCh37 (hg19) VCF-style: chr2-110937259-C-T.
Other names: c.146G>A, p.Cys49Tyr (NM_000272.5, NM_001374256.1, NM_001374257.1 and 1 more transcripts); c.144-9684G>A (NM_001128179.3); short protein forms C49Y.
Identifiers: ClinVar variation 2145071 (VCV002145071.4), dbSNP rs1320272895, ClinGen allele CA348093740.